The following is an entry in ClinVar:

NM_005732.4(RAD50):c.894A>C (p.Gln298His)

Gene: RAD50 (RAD50 double strand break repair protein; plus strand). Cytogenetic location: 5q31.1.
Variant type: single nucleotide variant.
Coding change: c.894A>C on transcript NM_005732.4 (MANE Select); coding-DNA position 894, A replaced by C.
Protein change: p.Gln298His; replaces glutamine 298 with histidine.
Molecular consequence: missense variant.
Genome position (GRCh38, 1-based): chr5:132,587,932, A>C. VCF-style: chr5-132587932-A-C. GRCh37 (hg19) VCF-style: chr5-131923624-A-C.
Other names: short protein forms Q298H.
Identifiers: ClinVar variation 2451403 (VCV002451403.5), dbSNP rs1561639106, ClinGen allele CA360940757.
Genomic context (GRCh38, chr5:132,587,932, plus strand): 5'-TCATATTTTCTTATGTTTGTACATTAAAGCTTTTTATTTTGGTGTTACACAGGTTTTTCA[A>C]GGGACTGATGAGCAACTAAATGACTTATATCACAATCACCAGAGAACAGTAAGGGAGAAA-3'
Protein context (NP_005723.2, residues 288-308): ELEEKMEKVF[Gln298His]GTDEQLNDLY

ClinVar aggregate classification (germline): Uncertain significance. Review status: criteria provided, multiple submitters, no conflicts (2 of 4 stars). 2 submissions from 2 submitters: Uncertain significance (2). Last evaluated 2023-02-13.

Conditions:
Hereditary cancer-predisposing syndrome. Also called: Neoplastic Syndromes, Hereditary; Tumor predisposition; Hereditary neoplastic syndrome; Hereditary Cancer Syndrome. Identifiers: Orphanet 140162, MedGen C0027672, MeSH D009386, MONDO:0015356.

Submissions (2):

Labcorp Genetics (formerly Invitae), Labcorp
Classification: Uncertain significance for Hereditary cancer-predisposing syndrome. Last evaluated: 2023-02-13. Review status: criteria provided, single submitter. Criteria: Invitae Variant Classification Sherloc (09022015). Collection method: clinical testing. Allele origin: germline.
Comment: This sequence change replaces glutamine, which is neutral and polar, with histidine, which is basic and polar, at codon 298 of the RAD50 protein (p.Gln298His). This variant is not present in population databases (gnomAD no frequency). This variant has not been reported in the literature in individuals affected with RAD50-related conditions. Advanced modeling of protein sequence and biophysical properties (such as structural, functional, and spatial information, amino acid conservation, physicochemical variation, residue mobility, and thermodynamic stability) has been performed at Invitae for this missense variant, however the output from this modeling did not meet the statistical confidence thresholds required to predict the impact of this variant on RAD50 protein function. In summary, the available evidence is currently insufficient to determine the role of this variant in disease. Therefore, it has been classified as a Variant of Uncertain Significance.

Ambry Genetics
Classification: Uncertain significance for Hereditary cancer-predisposing syndrome. Last evaluated: 2022-11-05. Review status: criteria provided, single submitter. Criteria: Ambry Variant Classification Scheme 2023. Collection method: clinical testing. Allele origin: germline.
Comment: The p.Q298H variant (also known as c.894A>C), located in coding exon 7 of the RAD50 gene, results from an A to C substitution at nucleotide position 894. The glutamine at codon 298 is replaced by histidine, an amino acid with highly similar properties. This amino acid position is conserved. In addition, this alteration is predicted to be tolerated by in silico analysis. Since supporting evidence is limited at this time, the clinical significance of this alteration remains unclear.